The following is an entry in ClinVar:

NM_182914.3(SYNE2):c.10945A>G (p.Met3649Val)

Gene: SYNE2 (spectrin repeat containing nuclear envelope protein 2; plus strand). Cytogenetic location: 14q23.2.
Variant type: single nucleotide variant.
Coding change: c.10945A>G on transcript NM_182914.3 (MANE Select); coding-DNA position 10945, A replaced by G.
Protein change: p.Met3649Val; replaces methionine 3649 with valine.
Molecular consequence: missense variant.
Genome position (GRCh38, 1-based): chr14:64,076,023, A>G. VCF-style: chr14-64076023-A-G. GRCh37 (hg19) VCF-style: chr14-64542741-A-G.
Other names: c.10945A>G, p.Met3649Val (NM_015180.6); short protein forms M3649V.
Identifiers: ClinVar variation 3172683 (VCV003172683.3), dbSNP rs1422930999, ClinGen allele CA389938592.

ClinVar aggregate classification (germline): Uncertain significance. Review status: criteria provided, multiple submitters, no conflicts (2 of 4 stars). 2 submissions from 2 submitters: Uncertain significance (2). Last evaluated 2025-09-03.

Conditions:
Emery-Dreifuss muscular dystrophy 5, autosomal dominant (EDMD5). Also called: EMERY-DREIFUSS MUSCULAR DYSTROPHY 5. Identifiers: Orphanet 261, MedGen C2751805, MONDO:0013072, OMIM 612999.

Allele frequency attached by ClinVar (database versions not stated): gnomAD exomes below 0.00001; gnomAD 0.00003; TOPMed 0.00006.
gnomAD v4.1: 9 of 1,613,884 alleles (0.00056%); highest among the groups gnomAD compares: Admixed American, 0.0083%; no homozygotes.

Submissions (2):

Labcorp Genetics (formerly Invitae), Labcorp
Classification: Uncertain significance for Emery-Dreifuss muscular dystrophy 5, autosomal dominant. Last evaluated: 2025-09-03. Review status: criteria provided, single submitter. Criteria: Invitae Variant Classification Sherloc (09022015). Collection method: clinical testing. Allele origin: germline.
Comment: This sequence change replaces methionine, which is neutral and non-polar, with valine, which is neutral and non-polar, at codon 3649 of the SYNE2 protein (p.Met3649Val). This variant is present in population databases (no rsID available, gnomAD 0.003%). This variant has not been reported in the literature in individuals affected with SYNE2-related conditions. ClinVar contains an entry for this variant (Variation ID: 3172683). An algorithm developed to predict the effect of missense changes on protein structure and function (PolyPhen-2) suggests that this variant is likely to be disruptive. In summary, the available evidence is currently insufficient to determine the role of this variant in disease. Therefore, it has been classified as a Variant of Uncertain Significance.

Ambry Genetics
Classification: Uncertain significance. Last evaluated: 2023-11-14. Review status: criteria provided, single submitter. Criteria: Ambry Variant Classification Scheme 2023. Collection method: clinical testing. Allele origin: germline.